The following is an entry in ClinVar:

ClinVar aggregate classification (germline): Uncertain significance. Review status: criteria provided, multiple submitters, no conflicts (2 of 4 stars). 2 submissions from 2 submitters: Uncertain significance (2). Last evaluated 2024-02-03.

Conditions:
Neuropathy, hereditary sensory and autonomic, type 2A (HSAN2A). Also called: ACROOSTEOLYSIS, GIACCAI TYPE; ACROOSTEOLYSIS, NEUROGENIC; MORVAN DISEASE; NEUROPATHY, CONGENITAL SENSORY; NEUROPATHY, HEREDITARY SENSORY RADICULAR, AUTOSOMAL RECESSIVE; NEUROPATHY, HEREDITARY SENSORY, TYPE IIA. Identifiers: Orphanet 970, MedGen C2752089, MONDO:0024309, OMIM 201300.
Pseudohypoaldosteronism type 2C (PHA2C). Also called: Pseudohypoaldosteronism Type IIC. Identifiers: Orphanet 757, Orphanet 88940, MedGen C1840391, MONDO:0013778, OMIM 614492.
Inborn genetic diseases. Identifiers: MedGen C0950123, MeSH D030342.

Allele frequency attached by ClinVar (database versions not stated): ExAC 0.00002; gnomAD exomes 0.00002; gnomAD 0.00003 and 0.00004; TOPMed 0.00005.
gnomAD v4.1: 17 of 1,614,028 alleles (0.0011%); highest among the groups gnomAD compares: African/African-American, 0.011%; no homozygotes.

Submissions (2):

Labcorp Genetics (formerly Invitae), Labcorp
Classification: Uncertain significance for Neuropathy, hereditary sensory and autonomic, type 2A; Pseudohypoaldosteronism type 2C. Last evaluated: 2024-02-03. Review status: criteria provided, single submitter. Criteria: Invitae Variant Classification Sherloc (09022015). Collection method: clinical testing. Allele origin: germline.
Comment: This sequence change replaces threonine, which is neutral and polar, with methionine, which is neutral and non-polar, at codon 2491 of the WNK1 protein (p.Thr2491Met). This variant is present in population databases (rs753567713, gnomAD 0.004%). This variant has not been reported in the literature in individuals affected with WNK1-related conditions. ClinVar contains an entry for this variant (Variation ID: 1445153). Advanced modeling of protein sequence and biophysical properties (such as structural, functional, and spatial information, amino acid conservation, physicochemical variation, residue mobility, and thermodynamic stability) performed at Invitae indicates that this missense variant is not expected to disrupt WNK1 protein function with a negative predictive value of 95%. In summary, the available evidence is currently insufficient to determine the role of this variant in disease. Therefore, it has been classified as a Variant of Uncertain Significance.

Ambry Genetics
Classification: Uncertain significance for Inborn genetic diseases. Last evaluated: 2021-09-04. Review status: criteria provided, single submitter. Criteria: Ambry Variant Classification Scheme 2023. Collection method: clinical testing. Allele origin: germline.
Comment: The p.T2491M variant (also known as c.7472C>T), located in coding exon 27 of the WNK1 gene, results from a C to T substitution at nucleotide position 7472. The threonine at codon 2491 is replaced by methionine, an amino acid with similar properties. This amino acid position is not well conserved in available vertebrate species. In addition, the in silico prediction for this alteration is inconclusive. Since supporting evidence is limited at this time, the clinical significance of this alteration remains unclear.

NM_018979.4(WNK1):c.6716C>T (p.Thr2239Met)

Gene: WNK1 (WNK lysine deficient protein kinase 1; plus strand). Cytogenetic location: 12p13.33.
Variant type: single nucleotide variant.
Coding change: c.6716C>T on transcript NM_018979.4 (MANE Select); coding-DNA position 6716, C replaced by T.
Protein change: p.Thr2239Met; replaces threonine 2239 with methionine.
Molecular consequence: missense variant.
Genome position (GRCh38, 1-based): chr12:907,919, C>T. VCF-style: chr12-907919-C-T. GRCh37 (hg19) VCF-style: chr12-1017085-C-T.
Other names: c.7496C>T, p.Thr2499Met (NM_001184985.2); c.5972C>T, p.Thr1991Met (NM_014823.3); c.7472C>T, p.Thr2491Met (NM_213655.5); short protein forms T1991M, T2239M, T2491M, T2499M.
Identifiers: ClinVar variation 1445153 (VCV001445153.10), dbSNP rs753567713, ClinGen allele CA6383482.